The following is an entry in ClinVar:

NM_005121.3(MED13):c.2755C>A (p.Pro919Thr)

Gene: MED13 (mediator complex subunit 13; minus strand). Cytogenetic location: 17q23.2.
Variant type: single nucleotide variant.
Coding change: c.2755C>A on transcript NM_005121.3 (MANE Select); coding-DNA position 2755, C replaced by A.
Protein change: p.Pro919Thr; replaces proline 919 with threonine.
Molecular consequence: missense variant.
Genome position (GRCh38, 1-based): chr17:61,984,304, G>T on the plus strand (C>A on the coding strand, the complement: MED13 is on the minus strand). VCF-style: chr17-61984304-G-T. GRCh37 (hg19) VCF-style: chr17-60061665-G-T.
Other names: short protein forms P919T.
Identifiers: ClinVar variation 5020439 (VCV005020439.1).

ClinVar aggregate classification (germline): Uncertain significance (1 of 4 stars; one submission).

gnomAD v4.1: 25 of 1,607,818 alleles (0.0016%); highest among the groups gnomAD compares: Non-Finnish European, 0.0019%; no homozygotes.

Submission:

Dasa
Classification: Uncertain significance. Last evaluated: 2026-06-02. Review status: criteria provided, single submitter. Criteria: DASA Assertion Criteria. Collection method: clinical testing. Allele origin: germline.
Comment: NM_005121.3(MED13):c.2755C>A (p.Pro919Thr) is a missense variant that results in the substitution of proline with threonine. This variant is rare in population databases. Computational prediction algorithms are consistent with a deleterious effect. The currently available literature and clinical evidence are not sufficient to establish a definitive association between this variant and the reported condition. Therefore, this variant is classified as a variant of uncertain significance.